The following is an entry in ClinVar:

ClinVar aggregate classification (germline): Benign (1 of 4 stars; one submission).

Submission:

Women's Health and Genetics/Laboratory Corporation of America, LabCorp
Classification: Benign. Last evaluated: 2023-04-04. Review status: criteria provided, single submitter. Criteria: LabCorp Variant Classification Summary - May 2015. Collection method: clinical testing. Allele origin: germline.
Comment: Variant summary: CACNA1C c.617+17_617+19delinsATC alters a nucleotide located close to a canonical splice site and therefore could affect mRNA splicing, leading to a significantly altered protein sequence. 4/4 computational tools predict no significant impact on normal splicing. However, these predictions have yet to be confirmed by functional studies. The variant allele was found in gnomAD. However, two variants (c.617+17G>A and c.617+19T>C) have been classified as benign in ClinVar and with high allele frequency in gnomAD. Both variants showed almost identical allele frequency in population in gnomAD (overall: 0.2543 vs 0.2559; African/African American: 0.3274 vs 0.3318). This supported these two alleles can be combined as one allele as c.617+17_617+19delinsATC at a frequency of 0.25 in 167944 control chromosomes in the gnomAD database, including 5490 homozygotes. The observed variant frequency is approximately 25432 fold of the estimated maximal expected allele frequency for a pathogenic variant in CACNA1C causing Timothy Syndrome phenotype (1e-05), strongly suggesting that the variant is benign. To our knowledge, no occurrence of c.617+17_617+19delinsATC in individuals affected with Timothy Syndrome and no experimental evidence demonstrating its impact on protein function have been reported. No clinical diagnostic laboratories have submitted clinical-significance assessments for this variant to ClinVar after 2014. Based on the evidence outlined above, the variant was classified as benign.

NM_000719.7(CACNA1C):c.617+17_617+19delinsATC

Gene: CACNA1C (calcium voltage-gated channel subunit alpha1 C; plus strand). Cytogenetic location: 12p13.33.
Variant type: Indel.
Coding change: c.617+17_617+19delinsATC on transcript NM_000719.7 (MANE Select); bases 17 to 19 of the intron after coding-DNA position 617, GTT replaced by ATC.
Molecular consequence: intron variant.
Genome position (GRCh38, 1-based): chr12:2,449,132-2,449,134, GTT replaced by ATC. VCF-style: chr12-2449132-GTT-ATC. GRCh37 (hg19) VCF-style: chr12-2558298-GTT-ATC.
Other names: c.617+17_617+19delinsATC (NM_001167624.3, NM_001167623.2, NM_001167625.2 and 20 more transcripts).
Identifiers: ClinVar variation 2503939 (VCV002503939.1), dbSNP rs386759537, ClinGen allele CA231563830.